The following is an entry in ClinVar:

ClinVar aggregate classification (germline): Uncertain significance (1 of 4 stars; one submission).

gnomAD v4.1: 1 of 1,609,738 alleles (0.000062%); highest among the groups gnomAD compares: Non-Finnish European, 0.000085%; no homozygotes.

Submission:

CeGaT Center for Human Genetics Tuebingen
Classification: Uncertain significance. Last evaluated: 2023-01-01. Review status: criteria provided, single submitter. Criteria: CeGaT Center For Human Genetics Tuebingen Variant Classification Criteria Version 2. Collection method: clinical testing. Allele origin: germline. Affected: yes. Observed: 2 variant alleles.
Comment: WDR26: PM2, PP2

NM_001379403.1(WDR26):c.1916G>T (p.Arg639Leu)

Gene: WDR26 (WD repeat domain 26; minus strand). Cytogenetic location: 1q42.11.
Variant type: single nucleotide variant.
Coding change: c.1916G>T on transcript NM_001379403.1 (MANE Select); coding-DNA position 1916, G replaced by T.
Protein change: p.Arg639Leu; replaces arginine 639 with leucine.
Molecular consequence: missense variant.
Genome position (GRCh38, 1-based): chr1:224,398,543, C>A on the plus strand (G>T on the coding strand, the complement: WDR26 is on the minus strand). VCF-style: chr1-224398543-C-A. GRCh37 (hg19) VCF-style: chr1-224586245-C-A.
Other names: c.1568G>T, p.Arg523Leu (NM_001115113.3); c.1616G>T, p.Arg539Leu (NM_025160.7); short protein forms R523L, R539L, R639L.
Identifiers: ClinVar variation 1711239 (VCV001711239.30), dbSNP rs760399308, ClinGen allele CA344746897.